The following is an entry in ClinVar:

ClinVar aggregate classification (germline): Conflicting classifications of pathogenicity. Review status: criteria provided, conflicting classifications (1 of 4 stars). 2 submissions from 2 submitters: Uncertain significance (1); Likely benign (1). Last evaluated 2026-01-18.

Conditions:
3-methylglutaconic aciduria type 5. Also called: CARDIOMYOPATHY, DILATED, WITH ATAXIA; MGA, TYPE V; 3 alpha methylglutaconic aciduria type V; MGA 5. Identifiers: Orphanet 66634, MedGen C1857776, MONDO:0012435, OMIM 610198.

Allele frequency attached by ClinVar (database versions not stated): gnomAD exomes 0.00003 and 0.00018; ExAC 0.00012; TOPMed 0.00012; gnomAD 0.00007.

Submissions (2):

Labcorp Genetics (formerly Invitae), Labcorp
Classification: Likely benign for 3-methylglutaconic aciduria type 5. Last evaluated: 2026-01-18. Review status: criteria provided, single submitter. Criteria: Invitae Variant Classification Sherloc (09022015). Collection method: clinical testing. Allele origin: germline.

GeneDx
Classification: Uncertain significance. Last evaluated: 2025-04-01. Review status: criteria provided, single submitter. Criteria: GeneDx Variant Classification Process June 2021. Collection method: clinical testing. Allele origin: germline. Affected: yes.
Comment: In silico analysis supports a deleterious effect on splicing; Has not been previously published as pathogenic or benign to our knowledge

NM_145261.4(DNAJC19):c.280+2dup

Gene: DNAJC19 (DnaJ heat shock protein family (Hsp40) member C19; minus strand). Cytogenetic location: 3q26.33.
Variant type: Duplication.
Coding change: c.280+2dup on transcript NM_145261.4 (MANE Select); the canonical splice donor site of the intron after coding-DNA position 280, one base duplicated (T; older notation c.280+2dupT).
Molecular consequence: splice donor variant.
Genome position (GRCh38, 1-based): chr3:180,985,924, A duplicated on the plus strand (T on the coding strand, the reverse complement: DNAJC19 is on the minus strand). VCF-style (leftmost placement, unchanged base first): chr3-180985923-T-TA. GRCh37 (hg19) VCF-style: chr3-180703711-T-TA.
Other names: c.205+2dup (NM_001190233.2).
Identifiers: ClinVar variation 779507 (VCV000779507.11), dbSNP rs756616792, ClinGen allele CA2717072.